The following is an entry in ClinVar:

NM_020631.6(PLEKHG5):c.386del (p.Leu129fs)

Gene: PLEKHG5 (pleckstrin homology and RhoGEF domain containing G5; minus strand). Cytogenetic location: 1p36.31.
Variant type: Deletion.
Coding change: c.386del on transcript NM_020631.6 (MANE Select); coding-DNA position 386, one base deleted (T; older notation c.386delT).
Protein change: p.Leu129fs; shifts the reading frame from leucine 129.
Molecular consequence: frameshift variant.
Genome position (GRCh38, 1-based): chr1:6,474,504, A deleted on the plus strand (T on the coding strand, the reverse complement: PLEKHG5 is on the minus strand). VCF-style (leftmost placement, unchanged base first): chr1-6474503-CA-C. GRCh37 (hg19) VCF-style: chr1-6534563-CA-C.
Other names: c.497del, p.Leu166fs (NM_001042663.3, NM_001265592.2); c.386delT, p.Leu129Argfs (NM_001042664.2, NM_001042665.2, NM_001265594.3); c.593delT, p.Leu198Argfs (NM_001265593.2); c.386del, p.Leu129fs (NM_198681.4); short protein forms L129fs, L166fs, L198fs.
Identifiers: ClinVar variation 1416561 (VCV001416561.6), dbSNP rs2148591365, ClinGen allele CA2573132145.

ClinVar aggregate classification (germline): Pathogenic (1 of 4 stars; one submission).

Conditions:
Neuronopathy, distal hereditary motor, autosomal recessive 4. Also called: NEUROPATHY, DISTAL HEREDITARY MOTOR, AUTOSOMAL RECESSIVE 4; Autosomal recessive lower motor neuron disease with childhood onset. Identifiers: Orphanet 206580, MedGen C1970211, MONDO:0012608, OMIM 611067.
Charcot-Marie-Tooth disease recessive intermediate C. Also called: CHARCOT-MARIE-TOOTH NEUROPATHY, RECESSIVE INTERMEDIATE C. Identifiers: Orphanet 369867, MedGen C3809309, MONDO:0014154, OMIM 615376.

Submission:

Labcorp Genetics (formerly Invitae), Labcorp
Classification: Pathogenic for Neuronopathy, distal hereditary motor, autosomal recessive 4; Charcot-Marie-Tooth disease recessive intermediate C. Last evaluated: 2023-05-22. Review status: criteria provided, single submitter. Criteria: Invitae Variant Classification Sherloc (09022015). Collection method: clinical testing. Allele origin: germline.
Comment: For these reasons, this variant has been classified as Pathogenic. ClinVar contains an entry for this variant (Variation ID: 1416561). This variant has not been reported in the literature in individuals affected with PLEKHG5-related conditions. This variant is not present in population databases (gnomAD no frequency). This sequence change creates a premature translational stop signal (p.Leu129Argfs*33) in the PLEKHG5 gene. It is expected to result in an absent or disrupted protein product. Loss-of-function variants in PLEKHG5 are known to be pathogenic (PMID: 17564964, 23777631).

Literature cited by the submitters: PubMed 17564964; PubMed 23777631.